The following is an entry in ClinVar:

NM_001943.5(DSG2):c.941C>A (p.Ser314Ter)

Gene: DSG2 (desmoglein 2; plus strand). Cytogenetic location: 18q12.1.
Variant type: single nucleotide variant.
Coding change: c.941C>A on transcript NM_001943.5 (MANE Select); coding-DNA position 941, C replaced by A.
Protein change: p.Ser314Ter; replaces serine 314 with a stop codon.
Molecular consequence: nonsense.
Genome position (GRCh38, 1-based): chr18:31,524,815, C>A. VCF-style: chr18-31524815-C-A. GRCh37 (hg19) VCF-style: chr18-29104778-C-A.
Other names: short protein forms S314*.
Identifiers: ClinVar variation 44332 (VCV000044332.6), dbSNP rs397516712, ClinGen allele CA022361.

ClinVar aggregate classification (germline): Pathogenic/Likely pathogenic. Review status: criteria provided, multiple submitters, no conflicts (2 of 4 stars). 2 submissions from 2 submitters: Pathogenic (1); Likely pathogenic (1). Last evaluated 2024-10-15.

Conditions:
Arrhythmogenic right ventricular cardiomyopathy (ARVD). Also called: Arrhythmogenic right ventricular dysplasia; Arrhythmogenic cardiomyopathy; Arrhythmogenic Right Ventricular Cardiomyopathy (ARVC); Cardiomyopathy, ARVC. Identifiers: Orphanet 247, MedGen C0349788, MeSH D019571, MONDO:0016587. Disease mechanism: loss of function. Inheritance: Various modes of inheritance.
Arrhythmogenic right ventricular dysplasia 10. Also called: ARRHYTHMOGENIC RIGHT VENTRICULAR DYSPLASIA, FAMILIAL, 10; Arrhythmogenic Right Ventricular Dysplasia/Cardiomyopathy10; Arrhythmogenic right ventricular dysplasia/cardiomyopathy, type 10. Identifiers: MedGen C1857777, MONDO:0012434, OMIM 610193.

Allele frequency attached by ClinVar (database versions not stated): gnomAD exomes below 0.00001.
gnomAD v4.1: 3 of 1,614,064 alleles (0.00019%); highest among the groups gnomAD compares: Non-Finnish European, 0.00025%; no homozygotes.

Submissions (2):

Labcorp Genetics (formerly Invitae), Labcorp
Classification: Pathogenic for Arrhythmogenic right ventricular dysplasia 10. Last evaluated: 2024-10-15. Review status: criteria provided, single submitter. Criteria: Invitae Variant Classification Sherloc (09022015). Collection method: clinical testing. Allele origin: germline.
Comment: This sequence change creates a premature translational stop signal (p.Ser314*) in the DSG2 gene. It is expected to result in an absent or disrupted protein product. Loss-of-function variants in DSG2 are known to be pathogenic (PMID: 17105751, 31386562). This variant is not present in population databases (gnomAD no frequency). This premature translational stop signal has been observed in individual(s) with DSG2-related conditions (PMID: 35352813). ClinVar contains an entry for this variant (Variation ID: 44332). For these reasons, this variant has been classified as Pathogenic.

Laboratory for Molecular Medicine, Mass General Brigham Personalized Medicine
Classification: Likely pathogenic for Arrhythmogenic right ventricular cardiomyopathy. Last evaluated: 2012-03-20. Review status: criteria provided, single submitter. Criteria: LMM Criteria. Collection method: clinical testing. Allele origin: germline. Observed: 1 variant allele.
Comment: This nonsense vari ant leads to a premature termination codon at position 324, which is predicted t o lead to a truncated or absent protein. In summary, this variant is likely to b e pathogenic, though segregation studies and functional analyses are required to fully establish the pathogenicity of this variant.

Literature cited by the submitters: PubMed 17105751 (cited by Labcorp Genetics (formerly Invitae), Labcorp); PubMed 31386562 (cited by Labcorp Genetics (formerly Invitae), Labcorp); PubMed 35352813 (cited by Labcorp Genetics (formerly Invitae), Labcorp).